The following is an entry in ClinVar:

NM_001035.3(RYR2):c.2588C>G (p.Thr863Arg)

Gene: RYR2 (ryanodine receptor 2; plus strand). Cytogenetic location: 1q43.
Variant type: single nucleotide variant.
Coding change: c.2588C>G on transcript NM_001035.3 (MANE Select); coding-DNA position 2588, C replaced by G.
Protein change: p.Thr863Arg; replaces threonine 863 with arginine.
Molecular consequence: missense variant.
Genome position (GRCh38, 1-based): chr1:237,503,480, C>G. VCF-style: chr1-237503480-C-G. GRCh37 (hg19) VCF-style: chr1-237666780-C-G.
Other names: short protein forms T863R.
Identifiers: ClinVar variation 4800059 (VCV004800059.1).

ClinVar aggregate classification (germline): Uncertain significance (1 of 4 stars; one submission).

Conditions:
Catecholaminergic polymorphic ventricular tachycardia 1. Also called: VENTRICULAR TACHYCARDIA, STRESS-INDUCED POLYMORPHIC 1; RYR2-Related Catecholaminergic Polymorphic Ventricular Tachycardia; VENTRICULAR TACHYCARDIA, CATECHOLAMINERGIC POLYMORPHIC, 1, WITH OR WITHOUT ATRIAL DYSFUNCTION AND/OR DILATED CARDIOMYOPATHY. Identifiers: Orphanet 3286, MedGen C1631597, MONDO:0011484, OMIM 604772.

Submission:

Labcorp Genetics (formerly Invitae), Labcorp
Classification: Uncertain significance for Catecholaminergic polymorphic ventricular tachycardia 1. Last evaluated: 2025-10-23. Review status: criteria provided, single submitter. Criteria: Invitae Variant Classification Sherloc (09022015). Collection method: clinical testing. Allele origin: germline.
Comment: This sequence change replaces threonine, which is neutral and polar, with arginine, which is basic and polar, at codon 863 of the RYR2 protein (p.Thr863Arg). This variant is not present in population databases (gnomAD no frequency). This variant has not been reported in the literature in individuals affected with RYR2-related conditions. Invitae Evidence Modeling of protein sequence and biophysical properties (such as structural, functional, and spatial information, amino acid conservation, physicochemical variation, residue mobility, and thermodynamic stability) indicates that this missense variant is not expected to disrupt RYR2 protein function with a negative predictive value of 95%. In summary, the available evidence is currently insufficient to determine the role of this variant in disease. Therefore, it has been classified as a Variant of Uncertain Significance.